The following is an entry in ClinVar:

ClinVar aggregate classification (germline): Uncertain significance (1 of 4 stars; one submission).

Conditions:
Inborn genetic diseases. Identifiers: MedGen C0950123, MeSH D030342.

Submission:

Ambry Genetics
Classification: Uncertain significance for Inborn genetic diseases. Last evaluated: 2026-03-16. Review status: criteria provided, single submitter. Criteria: Ambry Variant Classification Scheme 2023. Collection method: clinical testing. Allele origin: germline.
Comment: The p.N305D variant (also known as c.913A>G), located in coding exon 5 of the ETV6 gene, results from an A to G substitution at nucleotide position 913. The asparagine at codon 305 is replaced by aspartic acid, an amino acid with highly similar properties. This amino acid position is conserved. In addition, this alteration is predicted to be tolerated by in silico analysis. Based on the available evidence, the clinical significance of this variant remains unclear.

NM_001987.5(ETV6):c.913A>G (p.Asn305Asp)

Gene: ETV6 (ETS variant transcription factor 6; plus strand). Cytogenetic location: 12p13.2.
Variant type: single nucleotide variant.
Coding change: c.913A>G on transcript NM_001987.5 (MANE Select); coding-DNA position 913, A replaced by G.
Protein change: p.Asn305Asp; replaces asparagine 305 with aspartic acid.
Molecular consequence: missense variant.
Genome position (GRCh38, 1-based): chr12:11,869,873, A>G. VCF-style: chr12-11869873-A-G. GRCh37 (hg19) VCF-style: chr12-12022807-A-G.
Other names: c.910A>G, p.Asn304Asp (NM_001413913.1); c.886A>G, p.Asn296Asp (NM_001413914.1); c.649A>G, p.Asn217Asp (NM_001413915.1); c.913A>G, p.Asn305Asp (NM_001413916.1, NM_001413917.1); short protein forms N217D, N296D, N304D, N305D.
Identifiers: ClinVar variation 4870647 (VCV004870647.1).